The following is an entry in ClinVar:

NM_000128.4(F11):c.1362_1365del (p.Ile454fs)

Gene: F11 (coagulation factor XI; plus strand). Cytogenetic location: 4q35.2.
Variant type: Deletion.
Coding change: c.1362_1365del on transcript NM_000128.4 (MANE Select); coding-DNA positions 1362 to 1365, 4 bases deleted (AAAA; older notation c.1362_1365delAAAA).
Protein change: p.Ile454fs; shifts the reading frame from isoleucine 454.
Molecular consequence: frameshift variant.
Genome position (GRCh38, 1-based): chr4:186,285,695-186,285,698, AAAA deleted. VCF-style (leftmost placement, unchanged base first): chr4-186285694-TAAAA-T. GRCh37 (hg19) VCF-style: chr4-187206848-TAAAA-T.
Other names: c.1314_1317del, p.Ile438fs (NM_001440590.1, NM_001440596.1); c.1362_1365del, p.Ile454fs (NM_001440593.1); c.1092_1095del, p.Ile364fs (NM_001440605.1, NM_001440607.1); c.1044_1047del, p.Ile348fs (NM_001440606.1, NM_001440608.1); short protein forms I348fs, I364fs, I438fs, I454fs.
Identifiers: ClinVar variation 5010427 (VCV005010427.1).

ClinVar aggregate classification (germline): Pathogenic (1 of 4 stars; one submission).

Conditions:
Hereditary factor XI deficiency disease. Also called: PLASMA THROMBOPLASTIN ANTECEDENT DEFICIENCY; PTA DEFICIENCY; ROSENTHAL SYNDROME; Congenital factor XI deficiency. Identifiers: Orphanet 329, MedGen C0015523, MeSH D005173, MONDO:0012897, OMIM 612416.

Submission:

Myriad Genetics, Inc.
Classification: Pathogenic for Hereditary factor XI deficiency disease. Last evaluated: 2024-05-14. Review status: criteria provided, single submitter. Criteria: Myriad Autosomal Dominant, Autosomal Recessive and X-Linked Classification Criteria (2023). Collection method: clinical testing. Allele origin: unknown.
Comment: NM_000128.3(F11):c.1362_1365delAAAA(I454Mfs*12) is expected to be pathogenic in the context of factor XI deficiency. This variant is predicted to lead to an abnormal or absent protein product due to the creation of a premature termination codon in F11, a gene where loss-of-function variants are known to be pathogenic. Please note: this variant was assessed in the context of healthy population screening.